The following is an entry in ClinVar:

NM_000080.4(CHRNE):c.1261C>T (p.Arg421Cys)

Gene: CHRNE (cholinergic receptor nicotinic epsilon subunit; minus strand). Cytogenetic location: 17p13.2.
Variant type: single nucleotide variant.
Coding change: c.1261C>T on transcript NM_000080.4 (MANE Select); coding-DNA position 1261, C replaced by T.
Protein change: p.Arg421Cys; replaces arginine 421 with cysteine.
Molecular consequence: missense variant.
Genome position (GRCh38, 1-based): chr17:4,899,066, G>A on the plus strand (C>T on the coding strand, the complement: CHRNE is on the minus strand). VCF-style: chr17-4899066-G-A. GRCh37 (hg19) VCF-style: chr17-4802361-G-A.
Other names: c.1261C>T (NM_000080.3); short protein forms R421C.
Identifiers: ClinVar variation 1023882 (VCV001023882.10), dbSNP rs369709668, ClinGen allele CA8313916.

ClinVar aggregate classification (germline): Uncertain significance. Review status: criteria provided, multiple submitters, no conflicts (2 of 4 stars). 3 submissions from 3 submitters: Uncertain significance (2). 1 of the submissions does not count toward it. Last evaluated 2024-03-07.

Conditions:
Inborn genetic diseases. Identifiers: MedGen C0950123, MeSH D030342.
Congenital myasthenic syndrome (CMS). Also called: Congenital Myasthenic Syndromes. Identifiers: Orphanet 590, MedGen C0751882, MeSH D020294, MONDO:0018940.
Congenital myasthenic syndrome 4A. Also called: Myasthenic syndrome, congenital, 4a, slow-channel; CONGENITAL MYASTHENIC SYNDROME TYPE Ia1; MYASTHENIC SYNDROME, CONGENITAL, 4A, SLOW-CHANNEL, AUTOSOMAL RECESSIVE. Identifiers: Orphanet 590, MedGen C4225413, MONDO:0011600, OMIM 605809.

Allele frequency attached by ClinVar (database versions not stated): gnomAD exomes below 0.00001; TOPMed 0.00003; ESP Exome Variant Server 0.00015; ExAC 0.00001; gnomAD 0.00001.
gnomAD v4.1: 11 of 1,611,568 alleles (0.00068%); highest among the groups gnomAD compares: African/African-American, 0.0027%; no homozygotes.

Submissions (3):

Labcorp Genetics (formerly Invitae), Labcorp
Classification: Uncertain significance for Congenital myasthenic syndrome 4A. Last evaluated: 2024-03-07. Review status: criteria provided, single submitter. Criteria: Invitae Variant Classification Sherloc (09022015). Collection method: clinical testing. Allele origin: germline.
Comment: This sequence change replaces arginine, which is basic and polar, with cysteine, which is neutral and slightly polar, at codon 421 of the CHRNE protein (p.Arg421Cys). This variant is present in population databases (rs369709668, gnomAD 0.003%). This variant has not been reported in the literature in individuals affected with CHRNE-related conditions. ClinVar contains an entry for this variant (Variation ID: 1023882). Advanced modeling of protein sequence and biophysical properties (such as structural, functional, and spatial information, amino acid conservation, physicochemical variation, residue mobility, and thermodynamic stability) has been performed at Invitae for this missense variant, however the output from this modeling did not meet the statistical confidence thresholds required to predict the impact of this variant on CHRNE protein function. In summary, the available evidence is currently insufficient to determine the role of this variant in disease. Therefore, it has been classified as a Variant of Uncertain Significance.

Ambry Genetics
Classification: Uncertain significance for Inborn genetic diseases. Last evaluated: 2023-03-22. Review status: criteria provided, single submitter. Criteria: Ambry Variant Classification Scheme 2023. Collection method: clinical testing. Allele origin: germline.

Natera, Inc.
Classification: Uncertain significance for Congenital myasthenic syndrome. Last evaluated: 2021-04-01. Review status: no assertion criteria provided. Collection method: clinical testing. Allele origin: germline. Not counted in ClinVar's aggregate classification.